The following is an entry in ClinVar:

NM_001267550.2(TTN):c.1801-2A>G

Gene: TTN (titin; minus strand). Cytogenetic location: 2q31.2.
Variant type: single nucleotide variant.
Coding change: c.1801-2A>G on transcript NM_001267550.2 (MANE Select); the canonical splice acceptor site of the intron before coding-DNA position 1801, A replaced by G.
Molecular consequence: splice acceptor variant.
Genome position (GRCh38, 1-based): chr2:178,790,117, T>C on the plus strand (A>G on the coding strand, the complement: TTN is on the minus strand). VCF-style: chr2-178790117-T-C. GRCh37 (hg19) VCF-style: chr2-179654844-T-C.
Other names: c.1663-2A>G (NM_003319.4, NM_133437.4, NM_133432.3); c.1801-2A>G (NM_133378.4, NM_001256850.1, NM_133379.5).
Identifiers: ClinVar variation 2946147 (VCV002946147.3), dbSNP rs2093410241, ClinGen allele CA349507485.

ClinVar aggregate classification (germline): Likely pathogenic (1 of 4 stars; one submission).

Conditions:
Dilated cardiomyopathy 1G (CMD1G). Identifiers: Orphanet 154, MedGen C1858763, MONDO:0011400, OMIM 604145.
Autosomal recessive limb-girdle muscular dystrophy type 2J (LGMDR10). Also called: Limb-girdle muscular dystrophy, type 2J; MUSCULAR DYSTROPHY, LIMB-GIRDLE, AUTOSOMAL RECESSIVE 10. Identifiers: Orphanet 140922, MedGen C1837342, MONDO:0012127, OMIM 608807.

Submission:

Labcorp Genetics (formerly Invitae), Labcorp
Classification: Likely pathogenic for Dilated cardiomyopathy 1G; Autosomal recessive limb-girdle muscular dystrophy type 2J. Last evaluated: 2024-10-18. Review status: criteria provided, single submitter. Criteria: Invitae Variant Classification Sherloc (09022015). Collection method: clinical testing. Allele origin: germline.
Comment: This sequence change affects an acceptor splice site in intron 11 of the TTN gene. It is expected to disrupt RNA splicing and likely results in a truncated or disrupted TTN protein. This variant is not present in population databases (gnomAD no frequency). This variant has not been observed in the literature in individuals with autosomal recessive TTN-related conditions. This variant has been reported in individual(s) with dilated cardiomyopathy (internal data); however, the role of the variant in this condition is currently unclear. Algorithms developed to predict the effect of sequence changes on RNA splicing suggest that this variant may disrupt the consensus splice site. This variant is located in the Z band of TTN (PMID: 25589632). Truncating variants in this region have been reported in individuals affected with autosomal recessive centronuclear myopathy (PMID: 33449170, internal data). Truncating variants in this region have also been identified in individuals affected with autosomal dominant dilated cardiomyopathy and/or cardio-related conditions (PMID: 27869827, 32964742, internal data). In summary, the currently available evidence indicates that the variant is pathogenic, but additional data are needed to prove that conclusively. Therefore, this variant has been classified as Likely Pathogenic.

Literature cited by the submitters: PubMed 25589632; PubMed 33449170; PubMed 27869827; PubMed 32964742.